The following is an entry in ClinVar:

NM_001184.4(ATR):c.3665T>C (p.Leu1222Pro)

Gene: ATR (ATR checkpoint kinase; minus strand). Cytogenetic location: 3q23.
Variant type: single nucleotide variant.
Coding change: c.3665T>C on transcript NM_001184.4 (MANE Select); coding-DNA position 3665, T replaced by C.
Protein change: p.Leu1222Pro; replaces leucine 1222 with proline.
Molecular consequence: missense variant.
Genome position (GRCh38, 1-based): chr3:142,538,542, A>G on the plus strand (T>C on the coding strand, the complement: ATR is on the minus strand). VCF-style: chr3-142538542-A-G. GRCh37 (hg19) VCF-style: chr3-142257384-A-G.
Other names: c.3473T>C, p.Leu1158Pro (NM_001354579.2); short protein forms L1158P, L1222P.
Identifiers: ClinVar variation 1733721 (VCV001733721.2), dbSNP rs2108432490, ClinGen allele CA354807491.

ClinVar aggregate classification (germline): Uncertain significance (1 of 4 stars; one submission).

Conditions:
Inborn genetic diseases. Identifiers: MedGen C0950123, MeSH D030342.

Submission:

Ambry Genetics
Classification: Uncertain significance for Inborn genetic diseases. Last evaluated: 2022-07-02. Review status: criteria provided, single submitter. Criteria: Ambry Variant Classification Scheme 2023. Collection method: clinical testing. Allele origin: germline.
Comment: The p.L1222P variant (also known as c.3665T>C), located in coding exon 19 of the ATR gene, results from a T to C substitution at nucleotide position 3665. The leucine at codon 1222 is replaced by proline, an amino acid with similar properties. This amino acid position is conserved. In addition, this alteration is predicted to be deleterious by in silico analysis. Since supporting evidence is limited at this time, the clinical significance of this alteration remains unclear.